The following is an entry in ClinVar:

NM_001297.5(CNGB1):c.532G>A (p.Glu178Lys)

Gene: CNGB1 (cyclic nucleotide gated channel subunit beta 1; minus strand). Cytogenetic location: 16q21.
Variant type: single nucleotide variant.
Coding change: c.532G>A on transcript NM_001297.5 (MANE Select); coding-DNA position 532, G replaced by A.
Protein change: p.Glu178Lys; replaces glutamic acid 178 with lysine.
Molecular consequence: missense variant.
Genome position (GRCh38, 1-based): chr16:57,960,842, C>T on the plus strand (G>A on the coding strand, the complement: CNGB1 is on the minus strand). VCF-style: chr16-57960842-C-T. GRCh37 (hg19) VCF-style: chr16-57994746-C-T.
Other names: c.532G>A, p.Glu178Lys (NM_001135639.2, NM_001286130.2); short protein forms E178K.
Identifiers: ClinVar variation 1717587 (VCV001717587.5), dbSNP rs372542108, ClinGen allele CA8083789.

ClinVar aggregate classification (germline): Uncertain significance (1 of 4 stars; one submission).

Allele frequency attached by ClinVar (database versions not stated): ExAC 0.00001; ESP Exome Variant Server 0.00008.

Submission:

Labcorp Genetics (formerly Invitae), Labcorp
Classification: Uncertain significance. Last evaluated: 2022-09-16. Review status: criteria provided, single submitter. Criteria: Invitae Variant Classification Sherloc (09022015). Collection method: clinical testing. Allele origin: germline.
Comment: In summary, the available evidence is currently insufficient to determine the role of this variant in disease. Therefore, it has been classified as a Variant of Uncertain Significance. Algorithms developed to predict the effect of missense changes on protein structure and function output the following: SIFT: "Tolerated"; PolyPhen-2: "Benign"; Align-GVGD: "Class C0". The lysine amino acid residue is found in multiple mammalian species, which suggests that this missense change does not adversely affect protein function. This variant has not been reported in the literature in individuals affected with CNGB1-related conditions. This variant is not present in population databases (gnomAD no frequency). This sequence change replaces glutamic acid, which is acidic and polar, with lysine, which is basic and polar, at codon 178 of the CNGB1 protein (p.Glu178Lys).